The following is an entry in ClinVar:

ClinVar aggregate classification (germline): Uncertain significance. Review status: criteria provided, multiple submitters, no conflicts (2 of 4 stars). 3 submissions from 3 submitters: Uncertain significance (3). Last evaluated 2024-07-06.

Conditions:
Retinal dystrophy. Also called: Inherited retinal dystrophy. Identifiers: Orphanet 71862, MedGen C0854723, MeSH D058499, MONDO:0019118, HP:0000556.

Allele frequency attached by ClinVar (database versions not stated): TOPMed 0.00001; gnomAD 0.00002; gnomAD exomes 0.00002; ExAC 0.00004; 1000 Genomes Project 30x 0.00016; 1000 Genomes Project 0.00020.

Submissions (3):

Labcorp Genetics (formerly Invitae), Labcorp
Classification: Uncertain significance. Last evaluated: 2024-07-06. Review status: criteria provided, single submitter. Criteria: Invitae Variant Classification Sherloc (09022015). Collection method: clinical testing. Allele origin: germline.
Comment: This sequence change replaces asparagine, which is neutral and polar, with lysine, which is basic and polar, at codon 251 of the GNAT1 protein (p.Asn251Lys). This variant is present in population databases (rs200018227, gnomAD 0.06%). This missense change has been observed in individual(s) with GNAT1-related conditions (PMID: 33946315, 34064005). ClinVar contains an entry for this variant (Variation ID: 1899521). Advanced modeling of protein sequence and biophysical properties (such as structural, functional, and spatial information, amino acid conservation, physicochemical variation, residue mobility, and thermodynamic stability) performed at Invitae indicates that this missense variant is not expected to disrupt GNAT1 protein function with a negative predictive value of 80%. In summary, the available evidence is currently insufficient to determine the role of this variant in disease. Therefore, it has been classified as a Variant of Uncertain Significance.

Blueprint Genetics
Classification: Uncertain significance. Last evaluated: 2022-09-16. Review status: criteria provided, single submitter. Criteria: ACMG Guidelines, 2015. Collection method: clinical testing. Allele origin: germline.

Institute of Human Genetics, Univ. Regensburg, Univ. Regensburg
Classification: Uncertain significance for Retinal dystrophy. Last evaluated: 2020-01-01. Review status: criteria provided, single submitter. Criteria: ACMG Guidelines, 2015. Collection method: clinical testing. Allele origin: germline. Affected: yes.

Literature cited by the submitters: PubMed 33946315 (cited by Labcorp Genetics (formerly Invitae), Labcorp and Institute of Human Genetics, Univ. Regensburg, Univ. Regensburg); PubMed 34064005 (cited by Labcorp Genetics (formerly Invitae), Labcorp); PubMed 34064 (cited by Institute of Human Genetics, Univ. Regensburg, Univ. Regensburg).

NM_144499.3(GNAT1):c.753C>A (p.Asn251Lys)

Gene: GNAT1 (G protein subunit alpha transducin 1; plus strand). Cytogenetic location: 3p21.31.
Variant type: single nucleotide variant.
Coding change: c.753C>A on transcript NM_144499.3 (MANE Select); coding-DNA position 753, C replaced by A.
Protein change: p.Asn251Lys; replaces asparagine 251 with lysine.
Molecular consequence: missense variant.
Genome position (GRCh38, 1-based): chr3:50,194,545, C>A. VCF-style: chr3-50194545-C-A. GRCh37 (hg19) VCF-style: chr3-50231978-C-A.
Other names: c.753C>A, p.Asn251Lys (NM_000172.4); short protein forms N251K.
Identifiers: ClinVar variation 1899521 (VCV001899521.7), dbSNP rs200018227, ClinGen allele CA2412706.